The following is an entry in ClinVar:

NM_001349206.2(LPIN1):c.1074G>A (p.Ser358=)

Gene: LPIN1 (lipin 1; plus strand). Cytogenetic location: 2p25.1.
Variant type: single nucleotide variant.
Coding change: c.1074G>A on transcript NM_001349206.2 (MANE Select); coding-DNA position 1074, G replaced by A.
Protein change: p.Ser358=; no amino-acid change (serine 358 retained).
Molecular consequence: synonymous variant. On other transcripts: non-coding transcript variant (1).
Genome position (GRCh38, 1-based): chr2:11,782,317, G>A. VCF-style: chr2-11782317-G-A. GRCh37 (hg19) VCF-style: chr2-11922443-G-A.
Other names: c.966G>A (NM_145693.2); c.984G>A, p.Ser328= (NM_001261427.3); c.1221G>A, p.Ser407= (NM_001261428.3); c.966G>A, p.Ser322= (NM_001349199.2, NM_001349200.2, NM_001349201.2 and 1 more transcripts); c.1071G>A, p.Ser357= (NM_001349202.2, NM_001349203.2); c.1074G>A, p.Ser358= (NM_001349204.2, NM_001349205.2); c.1164G>A, p.Ser388= (NM_001349207.2); c.1113G>A, p.Ser371= (NM_001349208.2).
Identifiers: ClinVar variation 3014787 (VCV003014787.5), dbSNP rs368925424, ClinGen allele CA1533595.

ClinVar aggregate classification (germline): Likely benign. Review status: criteria provided, single submitter (1 of 4 stars). 2 submissions from 2 submitters: Likely benign (1). 1 of the submissions does not count toward it. Last evaluated 2025-05-13.

Conditions:
LPIN1-related disorder. Also called: LPIN1-related condition.

Allele frequency attached by ClinVar (database versions not stated): ExAC 0.00002; gnomAD exomes 0.00004; gnomAD 0.00002; TOPMed 0.00002; ESP Exome Variant Server 0.00008.
gnomAD v4.1: 64 of 1,614,010 alleles (0.004%); highest among the groups gnomAD compares: Non-Finnish European, 0.0047%; no homozygotes.

Submissions (2):

Labcorp Genetics (formerly Invitae), Labcorp
Classification: Likely benign. Last evaluated: 2025-05-13. Review status: criteria provided, single submitter. Criteria: Invitae Variant Classification Sherloc (09022015). Collection method: clinical testing. Allele origin: germline.

PreventionGenetics, part of Exact Sciences
Classification: Likely benign for LPIN1-related condition. Last evaluated: 2023-08-30. Review status: no assertion criteria provided. Collection method: clinical testing. Allele origin: germline. Not counted in ClinVar's aggregate classification.
Comment: This variant is classified as likely benign based on ACMG/AMP sequence variant interpretation guidelines (Richards et al. 2015 PMID: 25741868, with internal and published modifications).